The following is an entry in ClinVar:

NM_006892.4(DNMT3B):c.997T>A (p.Leu333Met)

Gene: DNMT3B (DNA methyltransferase 3 beta; plus strand). Cytogenetic location: 20q11.21.
Variant type: single nucleotide variant.
Coding change: c.997T>A on transcript NM_006892.4 (MANE Select); coding-DNA position 997, T replaced by A.
Protein change: p.Leu333Met; replaces leucine 333 with methionine.
Molecular consequence: missense variant.
Genome position (GRCh38, 1-based): chr20:32,792,701, T>A. VCF-style: chr20-32792701-T-A. GRCh37 (hg19) VCF-style: chr20-31380507-T-A.
Other names: c.871T>A, p.Leu291Met (NM_001207055.2); c.769T>A, p.Leu257Met (NM_001207056.2); c.997T>A, p.Leu333Met (NM_175848.2, NM_175849.2); c.1033T>A, p.Leu345Met (NM_175850.3); short protein forms L345M, L333M, L257M, L291M.
Identifiers: ClinVar variation 1513515 (VCV001513515.8), dbSNP rs2145982678, ClinGen allele CA408589508.

ClinVar aggregate classification (germline): Uncertain significance (1 of 4 stars; one submission).

Conditions:
Centromeric instability of chromosomes 1,9 and 16 and immunodeficiency (ICF1). Also called: Immunodeficiency-centromeric instability-facial anomalies; IMMUNE DEFICIENCY, VARIABLE, WITH CENTROMERIC INSTABILITY OF CHROMOSOMES 1, 9, AND 16; IMMUNODEFICIENCY SYNDROME, VARIABLE; CENTROMERIC INSTABILITY, IMMUNODEFICIENCY SYNDROME. Identifiers: Orphanet 2268, MedGen C0398788, MONDO:0000133.

Submission:

Labcorp Genetics (formerly Invitae), Labcorp
Classification: Uncertain significance for Centromeric instability of chromosomes 1,9 and 16 and immunodeficiency. Last evaluated: 2021-07-26. Review status: criteria provided, single submitter. Criteria: Invitae Variant Classification Sherloc (09022015). Collection method: clinical testing. Allele origin: germline.
Comment: In summary, the available evidence is currently insufficient to determine the role of this variant in disease. Therefore, it has been classified as a Variant of Uncertain Significance. Algorithms developed to predict the effect of missense changes on protein structure and function are either unavailable or do not agree on the potential impact of this missense change (SIFT: "Deleterious"; PolyPhen-2: "Probably Damaging"; Align-GVGD: "Class C0"). This variant has not been reported in the literature in individuals affected with DNMT3B-related conditions. This variant is not present in population databases (ExAC no frequency). This sequence change replaces leucine with methionine at codon 333 of the DNMT3B protein (p.Leu333Met). The leucine residue is highly conserved and there is a small physicochemical difference between leucine and methionine.